The following is an entry in ClinVar:

NM_030773.4(TUBB1):c.561_564del (p.Ile189fs)

Gene: TUBB1 (tubulin beta 1 class VI; plus strand). Cytogenetic location: 20q13.32.
Variant type: Deletion.
Coding change: c.561_564del on transcript NM_030773.4 (MANE Select); coding-DNA positions 561 to 564, 4 bases deleted (GTCT; older notation c.561_564delGTCT).
Protein change: p.Ile189fs; shifts the reading frame from isoleucine 189.
Molecular consequence: frameshift variant.
Genome position (GRCh38, 1-based): chr20:59,023,988-59,023,991, GTCT deleted; deleting any 4 consecutive bases within chr20:59,023,985-59,023,991 gives the same sequence; the c. name uses the placement nearest the transcript's 3' end. VCF-style (leftmost placement, unchanged base first): chr20-59023984-TTCTG-T. GRCh37 (hg19) VCF-style: chr20-57599039-TTCTG-T.
Other names: short protein forms I189fs.
Identifiers: ClinVar variation 3393153 (VCV003393153.3).

ClinVar aggregate classification (germline): Uncertain significance. Review status: criteria provided, multiple submitters, no conflicts (2 of 4 stars). 3 submissions from 3 submitters: Uncertain significance (3). Last evaluated 2025-12-02.

Conditions:
Macrothrombocytopenia, isolated, 1, autosomal dominant (MACTHC1). Also called: Autosomal dominant macrothrombocytopenia TUBB1-related. Identifiers: Orphanet 140957, MedGen C5676892, MONDO:0800047, OMIM 613112.
TUBB1-related disorder. Also called: TUBB1-related condition.

Submissions (3):

Labcorp Genetics (formerly Invitae), Labcorp
Classification: Uncertain significance. Last evaluated: 2025-12-02. Review status: criteria provided, single submitter. Criteria: Invitae Variant Classification Sherloc (09022015). Collection method: clinical testing. Allele origin: germline.
Comment: This sequence change creates a premature translational stop signal (p.Ile189Thrfs*3) in the TUBB1 gene. While this is not anticipated to result in nonsense mediated decay, it is expected to disrupt the last 263 amino acid(s) of the TUBB1 protein. This variant is not present in population databases (gnomAD no frequency). This variant has not been reported in the literature in individuals affected with TUBB1-related conditions. ClinVar contains an entry for this variant (Variation ID: 3393153). Experimental studies and prediction algorithms are not available or were not evaluated, and the functional significance of this variant is currently unknown. In summary, the available evidence is currently insufficient to determine the role of this variant in disease. Therefore, it has been classified as a Variant of Uncertain Significance.

PreventionGenetics, part of Exact Sciences
Classification: Uncertain significance for TUBB1-related condition. Last evaluated: 2025-04-02. Review status: criteria provided, single submitter. Criteria: ACMG Guidelines, 2015. Collection method: clinical testing. Allele origin: germline.
Comment: The TUBB1 c.561_564delGTCT variant is predicted to result in a frameshift and premature protein termination (p.Ile189Thrfs*3). To our knowledge, this variant has not been reported in TUBB1-related disease or in a large population database (gnomAD), indicating this variant is rare. At this time, the clinical significance of this variant is uncertain due to the absence of conclusive functional and genetic evidence.

Genomic Medicine Center of Excellence, King Faisal Specialist Hospital and Research Centre
Classification: Uncertain significance for Macrothrombocytopenia, isolated, 1, autosomal dominant. Last evaluated: 2024-12-19. Review status: criteria provided, single submitter. Criteria: ACMG Guidelines, 2015. Collection method: clinical testing. Allele origin: germline.